The following is an entry in ClinVar:

NM_001377960.1(RBM12B):c.684A>T (p.Gly228=)

Gene: RBM12B (RNA binding motif protein 12B; minus strand). Cytogenetic location: 8q22.1.
Variant type: single nucleotide variant.
Coding change: c.684A>T on transcript NM_001377960.1 (MANE Select); coding-DNA position 684, A replaced by T.
Protein change: p.Gly228=; no amino-acid change (glycine 228 retained).
Molecular consequence: synonymous variant.
Genome position (GRCh38, 1-based): chr8:93,735,727, T>A on the plus strand (A>T on the coding strand, the complement: RBM12B is on the minus strand). VCF-style: chr8-93735727-T-A. GRCh37 (hg19) VCF-style: chr8-94747955-T-A.
Other names: c.684A>T, p.Gly228= (NM_001377961.1, NM_001377962.1, NM_001377963.1 and 2 more transcripts).
Identifiers: ClinVar variation 3905187 (VCV003905187.10).

ClinVar aggregate classification (germline): Likely benign (1 of 4 stars; one submission).

Submission:

CeGaT Center for Human Genetics Tuebingen
Classification: Likely benign. Last evaluated: 2025-06-01. Review status: criteria provided, single submitter. Criteria: CeGaT Center For Human Genetics Tuebingen Variant Classification Criteria Version 2. Collection method: clinical testing. Allele origin: germline. Affected: yes. Observed: 1 variant allele.
Comment: RBM12B: BP4, BP7